The following is an entry in ClinVar:

ClinVar aggregate classification (germline): Pathogenic/Likely pathogenic. Review status: criteria provided, multiple submitters, no conflicts (2 of 4 stars). 9 submissions from 9 submitters: Pathogenic (3); Likely pathogenic (4). 2 of the submissions do not count toward it. Last evaluated 2025-08-31.

Conditions:
INS-related disorder. Also called: INS-related condition.
INS-related disorders.
Diabetes mellitus, permanent neonatal 4. Also called: INS-Related Permanent Neonatal Diabetes Mellitus. Identifiers: MedGen C5394307, MONDO:0030089, OMIM 618858.
Maturity-onset diabetes of the young type 10. Identifiers: Orphanet 552, MedGen C3150617, MONDO:0013240, OMIM 613370.
Hyperproinsulinemia. Identifiers: MedGen C0342283, MONDO:0014535, OMIM 616214.
Type 1 diabetes mellitus 2. Identifiers: MedGen C1852092, MONDO:0007454, OMIM 125852.
Permanent neonatal diabetes mellitus (PNDM). Identifiers: Orphanet 99885, MedGen C1833104, MONDO:0100164, MONDO:0011643. Disease mechanism: gain of function.

Allele frequency attached by ClinVar (database versions not stated): TOPMed 0.00017.

Submissions (9):

Labcorp Genetics (formerly Invitae), Labcorp
Classification: Likely pathogenic. Last evaluated: 2025-08-31. Review status: criteria provided, single submitter. Criteria: Invitae Variant Classification Sherloc (09022015). Collection method: clinical testing. Allele origin: germline.
Comment: This variant occurs in a non-coding region of the INS gene. It does not change the encoded amino acid sequence of the INS protein. This variant is present in population databases (no rsID available, gnomAD 0.02%). This variant has been observed in individuals with autosomal recessive permanent neonatal diabetes (PMID: 20133622, 25755231). This variant has been reported in individual(s) with maturity onset diabetes of the young (internal data); however, the role of the variant in this condition is currently unclear. This variant is also known as c.-331C>A. Algorithms developed to predict the effect of variants on gene product structure and function are not available or were not evaluated for this variant. Experimental studies have shown that this variant affects INS function (PMID: 20133622). In summary, the currently available evidence indicates that the variant is pathogenic, but additional data are needed to prove that conclusively. Therefore, this variant has been classified as Likely Pathogenic.

Women's Health and Genetics/Laboratory Corporation of America, LabCorp
Classification: Pathogenic for Permanent neonatal diabetes mellitus. Last evaluated: 2025-01-17. Review status: criteria provided, single submitter. Criteria: LabCorp Variant Classification Summary - May 2015. Collection method: clinical testing. Allele origin: germline.
Comment: Variant summary: INS c.-152C>A, also known as c.-331C>A, is located in the untranscribed region upstream of the INS gene region. Consensus agreement among computation tools predict no significant impact on normal splicing. However, these predictions have yet to be confirmed by functional studies. The variant allele was found at a frequency of 0.00013 in 313286 control chromosomes. This frequency is not significantly higher than estimated for a pathogenic variant in INS causing Neonatal Diabetes Mellitus, allowing no conclusion about variant significance. c.-152C>A has been reported in the literature in multiple homozygous individuals affected with recessive Neonatal Diabetes Mellitus (Garin_2010, Flanagan_2014, Nayak_2021, Demiral_2020, Demirbilek_2015). These data indicate that the variant is very likely to be associated with disease. At least one publication reports experimental evidence evaluating an impact on protein function. The most pronounced variant effect results in a significant reduction in promoter activity (Garin_2010). The following publications have been ascertained in the context of this evaluation (PMID: 32656923, 25755231, 24411943, 20133622, 33409956). ClinVar contains an entry for this variant (Variation ID: 431442). To our knowledge, this variant has not been reported in individuals with dominant Neonatal Diabetes Mellitus. Based on the evidence outlined above, this variant is pathogenic for recessive Neonatal Diabetes Mellitus.

Fulgent Genetics
Classification: Pathogenic for Type 1 diabetes mellitus 2; Maturity-onset diabetes of the young type 10; Hyperproinsulinemia; Diabetes mellitus, permanent neonatal 4. Last evaluated: 2024-03-19. Review status: criteria provided, single submitter. Criteria: ACMG Guidelines, 2015. Collection method: clinical testing. Allele origin: germline.

Blueprint Genetics
Classification: Likely pathogenic for INS-related disorders. Last evaluated: 2024-01-16. Review status: criteria provided, single submitter. Criteria: ACMG Guidelines, 2015. Collection method: clinical testing. Allele origin: germline. Affected: yes. Observed: 5 variant alleles.

GeneDx
Classification: Pathogenic. Last evaluated: 2023-04-05. Review status: criteria provided, single submitter. Criteria: GeneDx Variant Classification Process June 2021. Collection method: clinical testing. Allele origin: germline. Affected: yes.
Comment: Published functional studies demonstrate a damaging effect on INS promoter activity (Garin et al., 2010); Also referred to as c.-331C>A using alternate nomenclature; This variant is associated with the following publications: (PMID: 20301620, 20133622, 21592955, 20938745, 32656923, 34426871, 21808142, 33409956, 25755231)

Genetic Services Laboratory, University of Chicago
Classification: Likely pathogenic. Last evaluated: 2020-07-22. Review status: criteria provided, single submitter. Criteria: ACMG Guidelines, 2015. Collection method: clinical testing. Allele origin: germline. Affected: yes.
Comment: DNA sequence analysis of the INS gene demonstrated a heterozygous sequence change in the 5√¢‚Ç¨‚Ñ¢untranslated region, c.-152C>A. Garin et al., 2010, identified this sequence change (referred to as c.-331C>A) in the homozygous state in two unrelated individuals with transient neonatal diabetes (PMID 20133622). Interestingly, the carrier parents had normal glucose tolerance indicating that this single insulin allele is sufficient to provide the insulin required to maintain normal glycaemia. Functional studies demonstrated that this variant significantly impaired INS transcription in vitro (PMID 20133622). This sequence change is present at a low frequency of 0.0096% in the gnomAD population database (dbSNP rs748749585).

Juno Genomics, Hangzhou Juno Genomics, Inc
Classification: Likely pathogenic for Type 1 diabetes mellitus 2; Diabetes mellitus, permanent neonatal 4; Hyperproinsulinemia; Maturity-onset diabetes of the young type 10. Review status: criteria provided, single submitter. Criteria: ACMG Guidelines, 2015. Collection method: clinical testing. Allele origin: germline.
Comment: Absent from controls (or at extremely low frequency if recessive) in Genome Aggregation Database.;For recessive disorders, detected in trans with a pathogenic variant.;Co-segregation with disease in multiple affected family members.;Patient's phenotype or family history is highly specific for a disease with a single genetic etiology.

PreventionGenetics, part of Exact Sciences
Classification: Pathogenic for INS-related condition. Last evaluated: 2024-02-27. Review status: no assertion criteria provided. Collection method: clinical testing. Allele origin: germline. Not counted in ClinVar's aggregate classification.
Comment: The INS c.-152C>A variant is located in the 5' untranslated region. This variant has been reported as a recessive, pathogenic allele for neonatal diabetes in two families due to insulin biosynthesis impairment (reported as c.-331C>A at Garin et al. 2010. PubMed ID: 20133622; Støy et al. 2010. PubMed ID: 20938745). Of note, heterozygous carrier parents in Garin et al. study were reported to be unaffected with neonatal diabetes. Moreover, another study showed that a different substitution at the same nucleotide position c.-152C>G occurs at a binding site of Kruppel-like transcription factor (KLF); this change causes a failure of binding Kruppel-like transcription factor 11 (KLF11) and hence inhibits KLF11-mediated INS activation (reported as c.-331C>G at Bonnefond et al. 2011. PubMed ID: 21592955). This variant is reported in 0.023% of alleles in individuals of African descent in gnomAD. This variant is interpreted as pathogenic.

GeneReviews
No classification provided. Condition: Permanent neonatal diabetes mellitus. Review status: no classification provided. Collection method: literature only. Allele origin: germline. Not counted in ClinVar's aggregate classification.

Literature cited by the submitters: PubMed 20133622 (cited by 3 submitters); PubMed 25755231 (cited by Labcorp Genetics (formerly Invitae), Labcorp and Women's Health and Genetics/Laboratory Corporation of America, LabCorp); PubMed 24411943 (cited by Women's Health and Genetics/Laboratory Corporation of America, LabCorp); PubMed 33409956 (cited by Women's Health and Genetics/Laboratory Corporation of America, LabCorp); PubMed 32656923 (cited by Women's Health and Genetics/Laboratory Corporation of America, LabCorp); PubMed 20938745 (cited by GeneReviews); PubMed 21592955 (cited by GeneReviews); NCBI Bookshelf NBK1447 (cited by GeneReviews).

NM_000207.3(INS):c.-152C>A

Gene: INS (insulin; minus strand). Cytogenetic location: 11p15.5.
Variant type: single nucleotide variant.
Coding change: c.-152C>A on transcript NM_000207.3 (MANE Select); 152 bases upstream of the start codon, C replaced by A.
Genome position (GRCh38, 1-based): chr11:2,161,302, G>T on the plus strand (C>A on the coding strand, the complement: INS is on the minus strand). VCF-style: chr11-2161302-G-T. GRCh37 (hg19) VCF-style: chr11-2182532-G-T.
Other names: c.-331C>A.
Identifiers: ClinVar variation 431442 (VCV000431442.21), dbSNP rs748749585, ClinGen allele CA216276963.